The following is an entry in ClinVar:

ClinVar aggregate classification (germline): Uncertain significance. Review status: criteria provided, multiple submitters, no conflicts (2 of 4 stars). 2 submissions from 2 submitters: Uncertain significance (2). Last evaluated 2025-08-25.

Conditions:
Inborn genetic diseases. Identifiers: MedGen C0950123, MeSH D030342.
Spastic paraplegia. Identifiers: MedGen C0037772, HP:0001258.

Allele frequency attached by ClinVar (database versions not stated): gnomAD 0.00004.
gnomAD v4.1: 54 of 1,482,144 alleles (0.0036%); highest among the groups gnomAD compares: Non-Finnish European, 0.0048%; no homozygotes.

Submissions (2):

Ambry Genetics
Classification: Uncertain significance for Inborn genetic diseases. Last evaluated: 2025-08-25. Review status: criteria provided, single submitter. Criteria: Ambry Variant Classification Scheme 2023. Collection method: clinical testing. Allele origin: germline.

Labcorp Genetics (formerly Invitae), Labcorp
Classification: Uncertain significance for Spastic paraplegia. Last evaluated: 2022-06-02. Review status: criteria provided, single submitter. Criteria: Invitae Variant Classification Sherloc (09022015). Collection method: clinical testing. Allele origin: germline.
Comment: This sequence change replaces leucine, which is neutral and non-polar, with phenylalanine, which is neutral and non-polar, at codon 42 of the CYP2U1 protein (p.Leu42Phe). This variant is not present in population databases (gnomAD no frequency). This variant has not been reported in the literature in individuals affected with CYP2U1-related conditions. ClinVar contains an entry for this variant (Variation ID: 1435230). Advanced modeling of protein sequence and biophysical properties (such as structural, functional, and spatial information, amino acid conservation, physicochemical variation, residue mobility, and thermodynamic stability) performed at Invitae indicates that this missense variant is not expected to disrupt CYP2U1 protein function. In summary, the available evidence is currently insufficient to determine the role of this variant in disease. Therefore, it has been classified as a Variant of Uncertain Significance.

NM_183075.3(CYP2U1):c.124C>T (p.Leu42Phe)

Genes: CYP2U1 (cytochrome P450 family 2 subfamily U member 1; plus strand), CYP2U1-AS1 (CYP2U1 and SGMS2 antisense RNA 1; minus strand). Cytogenetic location: 4q25.
Variant type: single nucleotide variant.
Coding change: c.124C>T on transcript NM_183075.3 (MANE Select); coding-DNA position 124, C replaced by T.
Protein change: p.Leu42Phe; replaces leucine 42 with phenylalanine.
Molecular consequence: missense variant.
Genome position (GRCh38, 1-based): chr4:107,931,767, C>T. VCF-style: chr4-107931767-C-T. GRCh37 (hg19) VCF-style: chr4-108852923-C-T.
Other names: c.124C>T (NM_183075.2); short protein forms L42F.
Identifiers: ClinVar variation 1435230 (VCV001435230.7), dbSNP rs901277054, ClinGen allele CA102859641.